The following is an entry in ClinVar:

NM_031483.7(ITCH):c.744G>A (p.Pro248=)

Gene: ITCH (itchy E3 ubiquitin protein ligase; plus strand). Cytogenetic location: 20q11.22.
Variant type: single nucleotide variant.
Coding change: c.744G>A on transcript NM_031483.7 (MANE Select); coding-DNA position 744, G replaced by A.
Protein change: p.Pro248=; no amino-acid change (proline 248 retained).
Molecular consequence: synonymous variant.
Genome position (GRCh38, 1-based): chr20:34,440,219, G>A. VCF-style: chr20-34440219-G-A. GRCh37 (hg19) VCF-style: chr20-33028024-G-A.
Other names: c.867G>A, p.Pro289= (NM_001257137.3, NM_001324197.2); c.414G>A, p.Pro138= (NM_001257138.3); c.744G>A, p.Pro248= (NM_001324198.2).
Identifiers: ClinVar variation 2903675 (VCV002903675.5), dbSNP rs375751829, ClinGen allele CA9821428.

ClinVar aggregate classification (germline): Likely benign. Review status: criteria provided, multiple submitters, no conflicts (2 of 4 stars). 2 submissions from 2 submitters: Likely benign (2). Last evaluated 2026-05-01.

Conditions:
Syndromic multisystem autoimmune disease due to ITCH deficiency. Also called: AUTOIMMUNE DISEASE, MULTISYSTEM, WITH FACIAL DYSMORPHISM. Identifiers: Orphanet 228426, MedGen C3150649, MONDO:0013245, OMIM 613385.

Allele frequency attached by ClinVar (database versions not stated): gnomAD 0.00001; gnomAD exomes 0.00001; TOPMed 0.00001; ExAC 0.00002; ESP Exome Variant Server 0.00008.
gnomAD v4.1: 14 of 1,613,350 alleles (0.00087%); highest among the groups gnomAD compares: African/African-American, 0.0013%; no homozygotes.

Submissions (2):

CeGaT Center for Human Genetics Tuebingen
Classification: Likely benign. Last evaluated: 2026-05-01. Review status: criteria provided, single submitter. Criteria: CeGaT Center For Human Genetics Tuebingen Variant Classification Criteria Version 2. Collection method: clinical testing. Allele origin: germline. Affected: yes. Observed: 1 variant allele.
Comment: ITCH: BP4, BP7

Labcorp Genetics (formerly Invitae), Labcorp
Classification: Likely benign for Syndromic multisystem autoimmune disease due to ITCH deficiency. Last evaluated: 2025-10-07. Review status: criteria provided, single submitter. Criteria: Invitae Variant Classification Sherloc (09022015). Collection method: clinical testing. Allele origin: germline.